The following is an entry in ClinVar:

ClinVar aggregate classification (germline): Benign (0 of 4 stars; one submission).

Conditions:
PVR-related disorder. Also called: PVR-related condition.

Allele frequency attached by ClinVar (database versions not stated): ESP Exome Variant Server 0.00023; 1000 Genomes Project 30x 0.00500; 1000 Genomes Project 0.00559.
gnomAD v4.1: 1,219 of 1,554,248 alleles (0.078%); highest among the groups gnomAD compares: East Asian, 2%; 18 homozygotes.

Submission:

PreventionGenetics, part of Exact Sciences
Classification: Benign for PVR-related condition. Last evaluated: 2019-03-13. Review status: no assertion criteria provided. Collection method: clinical testing. Allele origin: germline.
Comment: This variant is classified as benign based on ACMG/AMP sequence variant interpretation guidelines (Richards et al. 2015 PMID: 25741868, with internal and published modifications).

NM_006505.5(PVR):c.676G>A (p.Glu226Lys)

Gene: PVR (PVR cell adhesion molecule; plus strand). Cytogenetic location: 19q13.31.
Variant type: single nucleotide variant.
Coding change: c.676G>A on transcript NM_006505.5 (MANE Select); coding-DNA position 676, G replaced by A.
Protein change: p.Glu226Lys; replaces glutamic acid 226 with lysine.
Molecular consequence: missense variant.
Genome position (GRCh38, 1-based): chr19:44,650,057, G>A. VCF-style: chr19-44650057-G-A. GRCh37 (hg19) VCF-style: chr19-45153329-G-A.
Other names: c.676G>A, p.Glu226Lys (NM_001135768.3, NM_001135769.3, NM_001135770.4); short protein forms E226K.
Identifiers: ClinVar variation 3034003 (VCV003034003.2), dbSNP rs139528439, ClinGen allele CA9502281.